The following is an entry in ClinVar:

ClinVar aggregate classification (germline): Pathogenic. Review status: criteria provided, multiple submitters, no conflicts (2 of 4 stars). 3 submissions from 3 submitters: Pathogenic (3). Last evaluated 2024-05-20.

Conditions:
Duchenne muscular dystrophy (DMD). Also called: MUSCULAR DYSTROPHY, PSEUDOHYPERTROPHIC PROGRESSIVE, DUCHENNE TYPE; Duchenne Muscular Dystrophy (DMD). Identifiers: Orphanet 98896, MedGen C0013264, MONDO:0010679, OMIM 310200.

Submissions (3):

Labcorp Genetics (formerly Invitae), Labcorp
Classification: Pathogenic for Duchenne muscular dystrophy. Last evaluated: 2024-05-20. Review status: criteria provided, single submitter. Criteria: Invitae Variant Classification Sherloc (09022015). Collection method: clinical testing. Allele origin: germline.
Comment: This sequence change creates a premature translational stop signal (p.Gln1414*) in the DMD gene. While this is not anticipated to result in nonsense mediated decay, it is expected to disrupt the last 2272 amino acid(s) of the DMD protein. This variant is not present in population databases (gnomAD no frequency). This premature translational stop signal has been observed in individuals with DMD-related dystrophinopathies (PMID: 12632325, 15723292, 16770791, 21972111; Invitae). ClinVar contains an entry for this variant (Variation ID: 217197). Algorithms developed to predict the effect of sequence changes on RNA splicing suggest that this variant may disrupt the consensus splice site. For these reasons, this variant has been classified as Pathogenic.

ARUP Laboratories, Molecular Genetics and Genomics, ARUP Laboratories
Classification: Pathogenic. Last evaluated: 2017-04-17. Review status: criteria provided, single submitter. Criteria: ARUP Molecular Germline Variant Investigation Process. Collection method: clinical testing. Allele origin: germline.

Athena Diagnostics
Classification: Pathogenic for Duchenne muscular dystrophy. Last evaluated: 2012-08-27. Review status: criteria provided, single submitter. Criteria: Athena Diagnostics Criteria. Collection method: clinical testing. Allele origin: germline. Inheritance: X-linked recessive inheritance.
Comment: X-linked recessive inheritance

Literature cited by the submitters: PubMed 12632325 (cited by Labcorp Genetics (formerly Invitae), Labcorp and Athena Diagnostics); PubMed 15723292 (cited by Labcorp Genetics (formerly Invitae), Labcorp); PubMed 16770791 (cited by Labcorp Genetics (formerly Invitae), Labcorp); PubMed 21972111 (cited by Labcorp Genetics (formerly Invitae), Labcorp and Athena Diagnostics).

NM_004006.3(DMD):c.4240C>T (p.Gln1414Ter)

Gene: DMD (dystrophin; minus strand). Cytogenetic location: Xp21.1.
Variant type: single nucleotide variant.
Coding change: c.4240C>T on transcript NM_004006.3 (MANE Select); coding-DNA position 4240, C replaced by T.
Protein change: p.Gln1414Ter; replaces glutamine 1414 with a stop codon.
Molecular consequence: nonsense.
Genome position (GRCh38, 1-based): chrX:32,390,175, G>A on the plus strand (C>T on the coding strand, the complement: DMD is on the minus strand). VCF-style: chrX-32390175-G-A. GRCh37 (hg19) VCF-style: chrX-32408292-G-A.
Other names: c.4216C>T, p.Gln1406Ter (NM_000109.4); c.4228C>T, p.Gln1410Ter (NM_004009.3); c.3871C>T, p.Gln1291Ter (NM_004010.3); c.217C>T, p.Gln73Ter (NM_004011.4); c.208C>T, p.Gln70Ter (NM_004012.4); short protein forms Q1414*, Q1406*, Q1291*, Q1410*, Q70*, Q73*.
Identifiers: ClinVar variation 217197 (VCV000217197.15), dbSNP rs863224997, ClinGen allele CA347511.